The following is an entry in ClinVar:

NM_006947.4(SRP72):c.910C>A (p.Gln304Lys)

Gene: SRP72 (signal recognition particle 72; plus strand). Cytogenetic location: 4q12.
Variant type: single nucleotide variant.
Coding change: c.910C>A on transcript NM_006947.4 (MANE Select); coding-DNA position 910, C replaced by A.
Protein change: p.Gln304Lys; replaces glutamine 304 with lysine.
Molecular consequence: missense variant. On other transcripts: non-coding transcript variant (1).
Genome position (GRCh38, 1-based): chr4:56,483,223, C>A. VCF-style: chr4-56483223-C-A. GRCh37 (hg19) VCF-style: chr4-57349389-C-A.
Other names: c.727C>A, p.Gln243Lys (NM_001267722.2); short protein forms Q243K, Q304K.
Identifiers: ClinVar variation 4174973 (VCV004174973.1).

ClinVar aggregate classification (germline): Uncertain significance (1 of 4 stars; one submission).

Submission:

Ambry Genetics
Classification: Uncertain significance. Last evaluated: 2025-08-25. Review status: criteria provided, single submitter. Criteria: Ambry Variant Classification Scheme 2023. Collection method: clinical testing. Allele origin: germline.
Comment: The p.Q304K variant (also known as c.910C>A), located in coding exon 9 of the SRP72 gene, results from a C to A substitution at nucleotide position 910. The glutamine at codon 304 is replaced by lysine, an amino acid with similar properties. This amino acid position is conserved. In addition, this alteration is predicted to be deleterious by in silico analysis. Based on the available evidence, the clinical significance of this variant remains unclear.